The following is an entry in ClinVar:

ClinVar aggregate classification (germline): Pathogenic (1 of 4 stars; one submission).

Conditions:
Coffin-Siris syndrome 1 (CSS1). Also called: ARID1B-Related Coffin-Siris Syndrome; Mental retardation, autosomal dominant 12. Identifiers: Orphanet 1465, MedGen C3281201, MONDO:0007617, OMIM 135900. Disease mechanism: gain of function.

Submission:

Victorian Clinical Genetics Services, Murdoch Childrens Research Institute
Classification: Pathogenic for Coffin-Siris syndrome 1. Last evaluated: 2020-07-02. Review status: criteria provided, single submitter. Criteria: ACMG Guidelines, 2015. Collection method: clinical testing. Allele origin: germline. Inheritance: Autosomal dominant inheritance. Affected: yes.
Comment: Based on the classification scheme VCGS_Germline_v1.1.1, this variant is classified as Pathogenic. Following criteria are met: 0102 - Loss-of-function is a known mechanism of disease for this gene. (N) 0107 - This gene is known to be associated with autosomal dominant disease. (N) 0201 - Variant is predicted to cause nonsense-mediated decay (NMD) and loss of protein (exon 18 of 20). (P) 0251 - Variant is heterozygous. (N) 0301 - Variant is absent from gnomAD. (P) 0701 - Comparable variants have very strong previous evidence for pathogenicity. Other variants predicted to cause NMD have been reported as pathogenic in individuals with Coffin-Siris syndrome (ClinVar). (P) 0807 - Variant has not previously been reported in a clinical context. (N) 0905 - No segregation evidence has been identified for this variant. (N) 1007 - No published functional evidence has been identified for this variant. (N) 1208 - Inheritance information for this variant is not currently available. (N) Legend: (P) - Pathogenic, (N) - Neutral, (B) - Benign

NM_001374828.1(ARID1B):c.4488del (p.Lys1496fs)

Gene: ARID1B (AT-rich interaction domain 1B; plus strand). Cytogenetic location: 6q25.3.
Variant type: Deletion.
Coding change: c.4488del on transcript NM_001374828.1 (MANE Select); coding-DNA position 4488, one base deleted (A; older notation c.4488delA).
Protein change: p.Lys1496fs; shifts the reading frame from lysine 1496.
Molecular consequence: frameshift variant.
Genome position (GRCh38, 1-based): chr6:157,200,713, A deleted; the last of 3 consecutive A bases (chr6:157,200,711-157,200,713); deleting any one gives the same sequence. VCF-style (leftmost placement, unchanged base first): chr6-157200710-CA-C. GRCh37 (hg19) VCF-style: chr6-157521844-CA-C.
Other names: c.4239delA, p.Lys1413Asnfs (NM_001346813.1); c.1989del, p.Lys663fs (NM_001363725.2); c.4368del, p.Lys1456fs (NM_001371656.1, NM_001374820.1); c.4329del, p.Lys1443fs (NM_017519.3); c.4119delA, p.Lys1373Asnfs (NM_020732.3); c.3906delA, p.Lys1302Asnfs (NM_175863.2); short protein forms K1443fs, K1456fs, K1496fs, K663fs.
Identifiers: ClinVar variation 1805065 (VCV001805065.1), dbSNP rs2538669304, ClinGen allele CA923726302.
Genomic context (GRCh38, chr6:157,200,710, plus strand): 5'-TGTGATTATACCTGTAAGAGCACATCAGGATGATTTGTCTTTCTGTGAATTCCAGAATTA[CA>C]AACGCCATATGGACGGCATGTACGGGCCCCCAGCCAAGCGCCACGAGGGCGACATGTACA-3'